The following is an entry in ClinVar:

ClinVar aggregate classification (germline): Uncertain significance. Review status: criteria provided, multiple submitters, no conflicts (2 of 4 stars). 2 submissions from 2 submitters: Uncertain significance (2). Last evaluated 2026-01-26.

Conditions:
Hereditary breast ovarian cancer syndrome. Also called: Hereditary breast and ovarian cancer syndrome; Hereditary breast and ovarian cancer; Hereditary breast and/or ovarian cancer syndrome; BRCA1- and BRCA2-Associated Hereditary Breast and Ovarian Cancer; Breast and ovarian cancer; Hereditary breast and ovarian cancer syndrome (HBOC). Identifiers: Orphanet 145, MedGen C0677776, MeSH D061325, MONDO:0003582. Disease mechanism: loss of function.
Hereditary cancer-predisposing syndrome. Also called: Tumor predisposition; Neoplastic Syndromes, Hereditary; Hereditary Cancer Syndrome; Hereditary neoplastic syndrome. Identifiers: Orphanet 140162, MedGen C0027672, MeSH D009386, MONDO:0015356.

Submissions (2):

Ambry Genetics
Classification: Uncertain significance for Hereditary cancer-predisposing syndrome. Last evaluated: 2026-01-26. Review status: criteria provided, single submitter. Criteria: Ambry Variant Classification Scheme 2023. Collection method: clinical testing. Allele origin: germline.
Comment: The p.G2270R variant (also known as c.6808G>C), located in coding exon 10 of the BRCA2 gene, results from a G to C substitution at nucleotide position 6808. The glycine at codon 2270 is replaced by arginine, an amino acid with dissimilar properties. This amino acid position is well conserved in available vertebrate species. In addition, the in silico prediction for this alteration is inconclusive. Based on the available evidence, the clinical significance of this variant remains unclear.

Labcorp Genetics (formerly Invitae), Labcorp
Classification: Uncertain significance for Hereditary breast ovarian cancer syndrome. Last evaluated: 2023-06-09. Review status: criteria provided, single submitter. Criteria: Invitae Variant Classification Sherloc (09022015). Collection method: clinical testing. Allele origin: germline.
Comment: In summary, the available evidence is currently insufficient to determine the role of this variant in disease. Therefore, it has been classified as a Variant of Uncertain Significance. Advanced modeling of protein sequence and biophysical properties (such as structural, functional, and spatial information, amino acid conservation, physicochemical variation, residue mobility, and thermodynamic stability) performed at Invitae indicates that this missense variant is not expected to disrupt BRCA2 protein function. This variant has not been reported in the literature in individuals affected with BRCA2-related conditions. This variant is not present in population databases (gnomAD no frequency). This sequence change replaces glycine, which is neutral and non-polar, with arginine, which is basic and polar, at codon 2270 of the BRCA2 protein (p.Gly2270Arg).

NM_000059.4(BRCA2):c.6808G>C (p.Gly2270Arg)

Gene: BRCA2 (BRCA2 DNA repair associated; plus strand). Cytogenetic location: 13q13.1.
Variant type: single nucleotide variant.
Coding change: c.6808G>C on transcript NM_000059.4 (MANE Select); coding-DNA position 6808, G replaced by C.
Protein change: p.Gly2270Arg; replaces glycine 2270 with arginine.
Molecular consequence: missense variant. On other transcripts: intron variant (2), non-coding transcript variant (1).
Genome position (GRCh38, 1-based): chr13:32,341,163, G>C. VCF-style: chr13-32341163-G-C. GRCh37 (hg19) VCF-style: chr13-32915300-G-C.
Other names: c.425-3395G>C (NM_001406722.1); c.6808G>C, p.Gly2270Arg (NM_001406719.1, NM_001406720.1); c.1910-3395G>C (NM_001406721.1); short protein forms G2270R.
Identifiers: ClinVar variation 2915483 (VCV002915483.4), dbSNP rs2137530827, ClinGen allele CA387791378.